The following is an entry in ClinVar:

NM_178857.6(RP1L1):c.2411C>T (p.Ser804Leu)

Gene: RP1L1 (RP1 like 1). Cytogenetic location: 8p23.1.
Variant type: single nucleotide variant.
Coding change: c.2411C>T on transcript NM_178857.6 (MANE Select); coding-DNA position 2411, C replaced by T.
Protein change: p.Ser804Leu; replaces serine 804 with leucine.
Molecular consequence: missense variant.
Genome position (GRCh38, 1-based): chr8:10,611,687, G>A on the plus strand (C>T on the coding strand, the complement: RP1L1 is on the minus strand). VCF-style: chr8-10611687-G-A. GRCh37 (hg19) VCF-style: chr8-10469197-G-A.
Other names: short protein forms S804L.
Identifiers: ClinVar variation 4989611 (VCV004989611.1).

ClinVar aggregate classification (germline): Uncertain significance (1 of 4 stars; one submission).

Conditions:
RP1L1-related disorder. Also called: RP1L1-related condition.

Submission:

PreventionGenetics, part of Exact Sciences
Classification: Uncertain significance for RP1L1-related condition. Last evaluated: 2025-01-22. Review status: criteria provided, single submitter. Criteria: ACMG Guidelines, 2015. Collection method: clinical testing. Allele origin: germline.
Comment: The RP1L1 c.2411C>T variant is predicted to result in the amino acid substitution p.Ser804Leu. To our knowledge, this variant has not been reported in the literature or in a large population database (gnomAD), indicating this variant is rare. At this time, the clinical significance of this variant is uncertain due to the absence of conclusive functional and genetic evidence.